The following is an entry in ClinVar:

ClinVar aggregate classification (germline): Likely benign (0 of 4 stars; one submission).

Conditions:
KLF4-related disorder. Also called: KLF4-related condition.

Allele frequency attached by ClinVar (database versions not stated): gnomAD 0.00003; gnomAD exomes 0.00003; ExAC 0.00005; TOPMed 0.00006.
gnomAD v4.1: 47 of 1,614,054 alleles (0.0029%); highest among the groups gnomAD compares: South Asian, 0.012%; 1 homozygote.

Submission:

PreventionGenetics, part of Exact Sciences
Classification: Likely benign for KLF4-related condition. Last evaluated: 2020-12-21. Review status: no assertion criteria provided. Collection method: clinical testing. Allele origin: germline.
Comment: This variant is classified as likely benign based on ACMG/AMP sequence variant interpretation guidelines (Richards et al. 2015 PMID: 25741868, with internal and published modifications).

NM_004235.6(KLF4):c.1179C>T (p.Thr393=)

Gene: KLF4 (KLF transcription factor 4; minus strand). Cytogenetic location: 9q31.2.
Variant type: single nucleotide variant.
Coding change: c.1179C>T on transcript NM_004235.6 (MANE Select); coding-DNA position 1179, C replaced by T.
Protein change: p.Thr393=; no amino-acid change (threonine 393 retained).
Molecular consequence: synonymous variant.
Genome position (GRCh38, 1-based): chr9:107,487,113, G>A on the plus strand (C>T on the coding strand, the complement: KLF4 is on the minus strand). VCF-style: chr9-107487113-G-A. GRCh37 (hg19) VCF-style: chr9-110249394-G-A.
Other names: c.1281C>T, p.Thr427= (NM_001314052.2).
Identifiers: ClinVar variation 3054922 (VCV003054922.2), dbSNP rs769217859, ClinGen allele CA5173073.
Genomic context (GRCh38, chr9:107,487,113, plus strand): 5'-GAGATGGGAACTCTTTGTGTAGGTTTTGCCGCAGCCCGCGTAATCACAAGTGTGGGTGGC[G>A]GTCCTTTTCCGGGGCCACGATCGTCTTCCCCTCTTTGGCTTGGGCTCCTCTGGCATGCAG-3'
Protein context (NP_004226.3, residues 383-403): RGRRSWPRKR[Thr393=]ATHTCDYAGC